The following is an entry in ClinVar:

NM_001904.4(CTNNB1):c.1934A>G (p.His645Arg)

Gene: CTNNB1 (catenin beta 1; plus strand). Cytogenetic location: 3p22.1.
Variant type: single nucleotide variant.
Coding change: c.1934A>G on transcript NM_001904.4 (MANE Select); coding-DNA position 1934, A replaced by G.
Protein change: p.His645Arg; replaces histidine 645 with arginine.
Molecular consequence: missense variant.
Genome position (GRCh38, 1-based): chr3:41,236,479, A>G. VCF-style: chr3-41236479-A-G. GRCh37 (hg19) VCF-style: chr3-41277970-A-G.
Other names: c.1934A>G, p.His645Arg (NM_001098209.2, NM_001098210.2, NM_001438871.1 and 4 more transcripts); c.1913A>G, p.His638Arg (NM_001330729.2); short protein forms H638R, H645R.
Identifiers: ClinVar variation 4527325 (VCV004527325.1).

ClinVar aggregate classification (germline): Uncertain significance (1 of 4 stars; one submission).

Submission:

GeneDx
Classification: Uncertain significance. Last evaluated: 2025-04-21. Review status: criteria provided, single submitter. Criteria: GeneDx Variant Classification Process June 2021. Collection method: clinical testing. Allele origin: germline. Affected: yes.
Comment: Not observed at significant frequency in large population cohorts (gnomAD); In silico analysis supports that this missense variant has a deleterious effect on protein structure/function; Has not been previously published as pathogenic or benign to our knowledge